The following is an entry in ClinVar:

ClinVar aggregate classification (germline): Likely benign. Review status: criteria provided, multiple submitters, no conflicts (2 of 4 stars). 2 submissions from 2 submitters: Likely benign (2). Last evaluated 2024-03-13.

Conditions:
Neuronal ceroid lipofuscinosis. Also called: Neuronal Ceroid Lipofuscinoses. Identifiers: Orphanet 216, Orphanet 79263, MedGen C0027877, MONDO:0016295. Disease mechanism: loss of function.

gnomAD v4.1: 1 of 1,609,084 alleles (0.000062%); no homozygotes.

Submissions (2):

Labcorp Genetics (formerly Invitae), Labcorp
Classification: Likely benign for Neuronal ceroid lipofuscinosis. Last evaluated: 2024-03-13. Review status: criteria provided, single submitter. Criteria: Invitae Variant Classification Sherloc (09022015). Collection method: clinical testing. Allele origin: germline.

GeneDx
Classification: Likely benign. Last evaluated: 2014-12-04. Review status: criteria provided, single submitter. Criteria: GeneDx Variant Classification (06012015). Collection method: clinical testing. Allele origin: germline. Affected: yes.
Comment: This variant is considered likely benign or benign based on one or more of the following criteria: it is a conservative change, it occurs at a poorly conserved position in the protein, it is predicted to be benign by multiple in silico algorithms, and/or has population frequency not consistent with disease.

NM_001042432.2(CLN3):c.295-13T>A

Gene: CLN3 (CLN3 lysosomal/endosomal transmembrane protein, battenin; minus strand). Cytogenetic location: 16p12.1.
Variant type: single nucleotide variant.
Coding change: c.295-13T>A on transcript NM_001042432.2 (MANE Select); 13 bases into the intron before coding-DNA position 295, T replaced by A.
Molecular consequence: intron variant.
Genome position (GRCh38, 1-based): chr16:28,487,754, A>T on the plus strand (T>A on the coding strand, the complement: CLN3 is on the minus strand). VCF-style: chr16-28487754-A-T. GRCh37 (hg19) VCF-style: chr16-28499075-A-T.
Other names: c.61-13T>A (NM_001286109.2); c.223-13T>A (NM_001286104.2); c.75-213T>A (NM_001286105.2); c.133-13T>A (NM_001286110.2); c.295-13T>A (NM_000086.2).
Identifiers: ClinVar variation 205087 (VCV000205087.5), dbSNP rs796052333, ClinGen allele CA313702.